The following is an entry in ClinVar:

NM_001987.5(ETV6):c.670C>T (p.His224Tyr)

Gene: ETV6 (ETS variant transcription factor 6; plus strand). Cytogenetic location: 12p13.2.
Variant type: single nucleotide variant.
Coding change: c.670C>T on transcript NM_001987.5 (MANE Select); coding-DNA position 670, C replaced by T.
Protein change: p.His224Tyr; replaces histidine 224 with tyrosine.
Molecular consequence: missense variant.
Genome position (GRCh38, 1-based): chr12:11,869,630, C>T. VCF-style: chr12-11869630-C-T. GRCh37 (hg19) VCF-style: chr12-12022564-C-T.
Other names: c.667C>T, p.His223Tyr (NM_001413913.1); c.643C>T, p.His215Tyr (NM_001413914.1); c.406C>T, p.His136Tyr (NM_001413915.1); c.670C>T, p.His224Tyr (NM_001413916.1, NM_001413917.1); short protein forms H136Y, H215Y, H224Y, H223Y.
Identifiers: ClinVar variation 4020022 (VCV004020022.2).

ClinVar aggregate classification (germline): Uncertain significance. Review status: criteria provided, multiple submitters, no conflicts (2 of 4 stars). 2 submissions from 2 submitters: Uncertain significance (2). Last evaluated 2025-04-16.

Conditions:
Inborn genetic diseases. Identifiers: MedGen C0950123, MeSH D030342.

Submissions (2):

Ambry Genetics
Classification: Uncertain significance for Inborn genetic diseases. Last evaluated: 2025-04-16. Review status: criteria provided, single submitter. Criteria: Ambry Variant Classification Scheme 2023. Collection method: clinical testing. Allele origin: germline.
Comment: The p.H224Y variant (also known as c.670C>T), located in coding exon 5 of the ETV6 gene, results from a C to T substitution at nucleotide position 670. The histidine at codon 224 is replaced by tyrosine, an amino acid with similar properties. This amino acid position is conserved. In addition, this alteration is predicted to be tolerated by in silico analysis. Based on the available evidence, the clinical significance of this variant remains unclear.

Labcorp Genetics (formerly Invitae), Labcorp
Classification: Uncertain significance. Last evaluated: 2025-02-03. Review status: criteria provided, single submitter. Criteria: Invitae Variant Classification Sherloc (09022015). Collection method: clinical testing. Allele origin: germline.
Comment: This sequence change replaces histidine, which is basic and polar, with tyrosine, which is neutral and polar, at codon 224 of the ETV6 protein (p.His224Tyr). This variant is not present in population databases (gnomAD no frequency). This variant has not been reported in the literature in individuals affected with ETV6-related conditions. Invitae Evidence Modeling of protein sequence and biophysical properties (such as structural, functional, and spatial information, amino acid conservation, physicochemical variation, residue mobility, and thermodynamic stability) indicates that this missense variant is not expected to disrupt ETV6 protein function with a negative predictive value of 80%. In summary, the available evidence is currently insufficient to determine the role of this variant in disease. Therefore, it has been classified as a Variant of Uncertain Significance.